The following is an entry in ClinVar:

ClinVar aggregate classification (germline): Uncertain significance (1 of 4 stars; one submission).

Allele frequency attached by ClinVar (database versions not stated): TOPMed 0.00008; gnomAD 0.00001; gnomAD exomes 0.00002.
gnomAD v4.1: 41 of 1,614,030 alleles (0.0025%); highest among the groups gnomAD compares: Non-Finnish European, 0.0027%; no homozygotes.

Submission:

Labcorp Genetics (formerly Invitae), Labcorp
Classification: Uncertain significance. Last evaluated: 2025-08-26. Review status: criteria provided, single submitter. Criteria: Invitae Variant Classification Sherloc (09022015). Collection method: clinical testing. Allele origin: germline.
Comment: This sequence change replaces alanine, which is neutral and non-polar, with threonine, which is neutral and polar, at codon 397 of the ZHX3 protein (p.Ala397Thr). This variant is present in population databases (no rsID available, gnomAD 0.0009%). This variant has not been reported in the literature in individuals affected with ZHX3-related conditions. ClinVar contains an entry for this variant (Variation ID: 2696126). An algorithm developed to predict the effect of missense changes on protein structure and function (PolyPhen-2) suggests that this variant is likely to be tolerated. In summary, the available evidence is currently insufficient to determine the role of this variant in disease. Therefore, it has been classified as a Variant of Uncertain Significance.

NM_001384317.1(ZHX3):c.1189G>A (p.Ala397Thr)

Gene: ZHX3 (zinc fingers and homeoboxes 3; minus strand). Cytogenetic location: 20q12.
Variant type: single nucleotide variant.
Coding change: c.1189G>A on transcript NM_001384317.1 (MANE Select); coding-DNA position 1189, G replaced by A.
Protein change: p.Ala397Thr; replaces alanine 397 with threonine.
Molecular consequence: missense variant.
Genome position (GRCh38, 1-based): chr20:41,203,728, C>T on the plus strand (G>A on the coding strand, the complement: ZHX3 is on the minus strand). VCF-style: chr20-41203728-C-T. GRCh37 (hg19) VCF-style: chr20-39832368-C-T.
Other names: c.1189G>A, p.Ala397Thr (NM_001384315.1, NM_001384316.1, NM_001384318.1 and 8 more transcripts); short protein forms A397T.
Identifiers: ClinVar variation 2696126 (VCV002696126.3), dbSNP rs960512306, ClinGen allele CA314469460.